The following is an entry in ClinVar:

NM_002354.3(EPCAM):c.496C>T (p.Leu166Phe)

Gene: EPCAM (epithelial cell adhesion molecule; plus strand). Cytogenetic location: 2p21.
Variant type: single nucleotide variant.
Coding change: c.496C>T on transcript NM_002354.3 (MANE Select); coding-DNA position 496, C replaced by T.
Protein change: p.Leu166Phe; replaces leucine 166 with phenylalanine.
Molecular consequence: missense variant.
Genome position (GRCh38, 1-based): chr2:47,377,018, C>T. VCF-style: chr2-47377018-C-T. GRCh37 (hg19) VCF-style: chr2-47604157-C-T.
Other names: short protein forms L166F.
Identifiers: ClinVar variation 136025 (VCV000136025.9), dbSNP rs587780768, ClinGen allele CA332785.

ClinVar aggregate classification (germline): Uncertain significance. Review status: criteria provided, single submitter (1 of 4 stars). 2 submissions from 2 submitters: Uncertain significance (1). 1 of the submissions does not count toward it. Last evaluated 2016-09-30.

Conditions:
Hereditary cancer-predisposing syndrome. Also called: Tumor predisposition; Hereditary neoplastic syndrome; Neoplastic Syndromes, Hereditary; Hereditary Cancer Syndrome. Identifiers: Orphanet 140162, MedGen C0027672, MeSH D009386, MONDO:0015356.

Allele frequency attached by ClinVar (database versions not stated): gnomAD exomes below 0.00001; ExAC 0.00001; TOPMed 0.00002.

Submissions (2):

Labcorp Genetics (formerly Invitae), Labcorp
Classification: Uncertain significance. Last evaluated: 2016-09-30. Review status: criteria provided, single submitter. Criteria: Invitae Variant Classification Sherloc (09022015). Collection method: clinical testing. Allele origin: germline.
Comment: In summary, this variant is a rare missense change with uncertain impact on protein function. There is no indication that it causes disease, but the available evidence is currently insufficient to prove that conclusively. Therefore, it has been classified as a Variant of Uncertain Significance. Algorithms developed to predict the effect of missense changes on protein structure and function do not agree on the potential impact of this missense change (SIFT: "Deleterious"; PolyPhen-2: "Benign"; Align-GVGD: "Class C0"). This variant is present in population databases (rs587780768, ExAC 0.001% ) but has not been reported in the literature in individuals with an EPCAM-related disease. ClinVar contains an entry for this variant (Variation ID: 136025). This sequence change replaces leucine with phenylalanine at codon 166 of the EPCAM protein (p.Leu166Phe). The leucine residue is highly conserved and there is a small physicochemical difference between leucine and phenylalanine.

True Health Diagnostics
Classification: Uncertain significance for Hereditary cancer-predisposing syndrome. Last evaluated: 2017-11-01. Review status: no assertion criteria provided. Collection method: clinical testing. Allele origin: germline. Not counted in ClinVar's aggregate classification.